The following is an entry in ClinVar:

ClinVar aggregate classification (germline): Pathogenic (1 of 4 stars; one submission).

Conditions:
COL6A2-related disorder.

Submission:

3billion
Classification: Pathogenic for COL6A2-related disorder. Last evaluated: 2026-01-12. Review status: criteria provided, single submitter. Criteria: ACMG Guidelines, 2015. Collection method: clinical testing. Allele origin: germline. Affected: yes.
Comment: The variant is not observed in the gnomAD v4.1.0 dataset. Predicted Consequence/Location: Frameshift: predicted to result in a loss or disruption of normal protein function through nonsense-mediated decay (NMD) or protein truncation. Multiple pathogenic variants are reported downstream of the variant. Therefore, this variant is classified as Pathogenic according to the recommendation of ACMG/AMP guideline.

NM_001849.4(COL6A2):c.349del (p.Ser117fs)

Gene: COL6A2 (collagen type VI alpha 2 chain; plus strand). Cytogenetic location: 21q22.3.
Variant type: Deletion.
Coding change: c.349del on transcript NM_001849.4 (MANE Select); coding-DNA position 349, one base deleted (T; older notation c.349delT).
Protein change: p.Ser117fs; shifts the reading frame from serine 117.
Molecular consequence: frameshift variant.
Genome position (GRCh38, 1-based): chr21:46,112,212, T deleted. VCF-style (leftmost placement, unchanged base first): chr21-46112211-CT-C. GRCh37 (hg19) VCF-style: chr21-47532125-CT-C.
Other names: c.349del, p.Ser117fs (NM_058174.3, NM_058175.3); short protein forms S117fs.
Identifiers: ClinVar variation 4854745 (VCV004854745.1).
Genomic context (GRCh38, chr21:46,112,211, plus strand): 5'-CGGCGGCCTGCACTTCTCTGACCAGGTGGAGGTGTTCAGCCCACCGGGCAGCGACCGGGC[CT>C]CCTTCATCAAGAACCTGCAGGGCATCAGCTCCTTCCGCCGCGGCACCTTCACCGACTGCG-3'